The following is an entry in ClinVar:

ClinVar aggregate classification (germline): Pathogenic (1 of 4 stars; one submission).

Conditions:
Familial colorectal cancer. Identifiers: MedGen CN280943, MONDO:0023113. Disease mechanism: loss of function.

Submission:

Labcorp Genetics (formerly Invitae), Labcorp
Classification: Pathogenic for Familial colorectal cancer. Last evaluated: 2023-12-06. Review status: criteria provided, single submitter. Criteria: Invitae Variant Classification Sherloc (09022015). Collection method: clinical testing. Allele origin: germline.
Comment: A gross duplication of the genomic region encompassing the promoter of the GREM1 gene has been identified. The precise boundaries of this event are unknown. This variant has been observed in individual(s) with hereditary mixed polyposis syndrome (PMID: 22561515, 25992589, 26947005). It has also been observed to segregate with disease in related individuals. Studies have shown that this variant alters GREM1 gene expression (PMID: 22561515). A 40 kb tandem duplication spanning the 3' end of the SCG5 gene and the region upstream of the GREM1 gene has been reported to segregate in several Ashkenazi Jewish families with hereditary mixed polyposis syndrome. Within these families this tandem duplication was present in 40 affected individuals, while absent in 50 of the unaffected family members (PMID: 22561515, 25992589). In addition, a smaller 16 kb tandem duplication spanning the promoter region of the GREM1 gene has been reported in a family with mixed polyposis syndrome, but of no Ashkenazi Jewish ancestry (PMID: 26493165). For these reasons, this variant has been classified as Pathogenic.

Literature cited by the submitters: PubMed 22561515; PubMed 25992589; PubMed 26947005; PubMed 26493165.

NC_000015.10:g.(?_32679746)_(32712736_?)dup

Genes: GREM1 (gremlin 1, DAN family BMP antagonist; plus strand), SCG5 (secretogranin V; plus strand). Cytogenetic location: 15q13.3.
Variant type: Duplication.
Identifiers: ClinVar variation 832797 (VCV000832797.6).